The following is an entry in ClinVar:

NM_024675.4(PALB2):c.2010C>G (p.Asp670Glu)

Gene: PALB2 (partner and localizer of BRCA2; minus strand). Cytogenetic location: 16p12.2.
Variant type: single nucleotide variant.
Coding change: c.2010C>G on transcript NM_024675.4 (MANE Select); coding-DNA position 2010, C replaced by G.
Protein change: p.Asp670Glu; replaces aspartic acid 670 with glutamic acid.
Molecular consequence: missense variant.
Genome position (GRCh38, 1-based): chr16:23,630,144, G>C on the plus strand (C>G on the coding strand, the complement: PALB2 is on the minus strand). VCF-style: chr16-23630144-G-C. GRCh37 (hg19) VCF-style: chr16-23641465-G-C.
Other names: c.1950C>G, p.Asp650Glu (NM_001407296.1); c.2010C>G, p.Asp670Glu (NM_001407297.1, NM_001407298.1, NM_001407299.1 and 3 more transcripts); c.1125C>G, p.Asp375Glu (NM_001407304.1, NM_001407305.1, NM_001407306.1 and 5 more transcripts); c.222C>G, p.Asp74Glu (NM_001407312.1, NM_001407313.1); short protein forms D670E, D74E, D375E, D650E.
Identifiers: ClinVar variation 2056250 (VCV002056250.8), dbSNP rs2142383581, ClinGen allele CA395127082.

ClinVar aggregate classification (germline): Uncertain significance. Review status: criteria provided, multiple submitters, no conflicts (2 of 4 stars). 4 submissions from 4 submitters: Uncertain significance (4). Last evaluated 2024-06-21.

Conditions:
Hereditary cancer-predisposing syndrome. Also called: Tumor predisposition; Hereditary Cancer Syndrome; Neoplastic Syndromes, Hereditary; Hereditary neoplastic syndrome. Identifiers: Orphanet 140162, MedGen C0027672, MeSH D009386, MONDO:0015356.
Familial cancer of breast. Also called: hereditary breast carcinoma; BREAST CANCER, FAMILIAL; Hereditary breast cancer. Identifiers: Orphanet 227535, MedGen C0346153, MONDO:0016419, OMIM 114480. Disease mechanism: loss of function.

Submissions (4):

Ambry Genetics
Classification: Uncertain significance for Hereditary cancer-predisposing syndrome. Last evaluated: 2024-06-21. Review status: criteria provided, single submitter. Criteria: Ambry Variant Classification Scheme 2023. Collection method: clinical testing. Allele origin: germline.
Comment: The p.D670E variant (also known as c.2010C>G), located in coding exon 5 of the PALB2 gene, results from a C to G substitution at nucleotide position 2010. The aspartic acid at codon 670 is replaced by glutamic acid, an amino acid with highly similar properties. This amino acid position is conserved. In addition, this alteration is predicted to be tolerated by in silico analysis. Based on the available evidence, the clinical significance of this variant remains unclear.

Quest Diagnostics Nichols Institute San Juan Capistrano
Classification: Uncertain significance. Last evaluated: 2023-11-20. Review status: criteria provided, single submitter. Criteria: Quest Diagnostics criteria. Collection method: clinical testing. Allele origin: unknown.
Comment: The PALB2 c.2010C>G (p.Asp670Glu) variant has not been reported in individuals with PALB2-related conditions in the published literature. It also has not been reported in large, multi-ethnic general populations (Genome Aggregation Database). Analysis of this variant using bioinformatics tools for the prediction of the effect of amino acid changes on protein structure and function yielded predictions that this variant is benign. Based on the available information, we are unable to determine the clinical significance of this variant.

Color Diagnostics, LLC DBA Color Health
Classification: Uncertain significance for Hereditary cancer-predisposing syndrome. Last evaluated: 2022-09-06. Review status: criteria provided, single submitter. Criteria: ACMG Guidelines, 2015. Collection method: clinical testing. Allele origin: germline.
Comment: This missense variant replaces aspartic acid with glutamic acid at codon 670 of the PALB2 protein. Computational prediction suggests that this variant may not impact protein structure and function (internally defined REVEL score threshold <= 0.5, PMID: 27666373). To our knowledge, functional studies have not been reported for this variant. This variant has been detected in a breast cancer case-control meta-analysis in 0/60466 cases and 1/53461 unaffected individuals (PMID: 33471991; Leiden Open Variation Database DB-ID PALB2_010949). This variant has not been identified in the general population by the Genome Aggregation Database (gnomAD). The available evidence is insufficient to determine the role of this variant in disease conclusively. Therefore, this variant is classified as a Variant of Uncertain Significance.

Labcorp Genetics (formerly Invitae), Labcorp
Classification: Uncertain significance for Familial cancer of breast. Last evaluated: 2021-12-23. Review status: criteria provided, single submitter. Criteria: Invitae Variant Classification Sherloc (09022015). Collection method: clinical testing. Allele origin: germline.
Comment: This sequence change replaces aspartic acid, which is acidic and polar, with glutamic acid, which is acidic and polar, at codon 670 of the PALB2 protein (p.Asp670Glu). This variant is not present in population databases (gnomAD no frequency). This variant has not been reported in the literature in individuals affected with PALB2-related conditions. Algorithms developed to predict the effect of missense changes on protein structure and function are either unavailable or do not agree on the potential impact of this missense change (SIFT: "Tolerated"; PolyPhen-2: "Possibly Damaging"; Align-GVGD: "Class C0"). In summary, the available evidence is currently insufficient to determine the role of this variant in disease. Therefore, it has been classified as a Variant of Uncertain Significance.

Literature cited by the submitters: PubMed 33471991 (cited by Color Diagnostics, LLC DBA Color Health).